The following is an entry in ClinVar:

NM_018062.4(FANCL):c.913A>T (p.Met305Leu)

Gene: FANCL (FA complementation group L; minus strand). Cytogenetic location: 2p16.1.
Variant type: single nucleotide variant.
Coding change: c.913A>T on transcript NM_018062.4 (MANE Select); coding-DNA position 913, A replaced by T.
Protein change: p.Met305Leu; replaces methionine 305 with leucine.
Molecular consequence: missense variant.
Genome position (GRCh38, 1-based): chr2:58,161,629, T>A on the plus strand (A>T on the coding strand, the complement: FANCL is on the minus strand). VCF-style: chr2-58161629-T-A. GRCh37 (hg19) VCF-style: chr2-58388764-T-A.
Other names: c.928A>T, p.Met310Leu (NM_001114636.2); c.958A>T, p.Met320Leu (NM_001374615.1); c.973A>T, p.Met325Leu (NM_001410792.1); short protein forms M305L, M320L, M310L, M325L.
Identifiers: ClinVar variation 1381209 (VCV001381209.7), dbSNP rs553742734, ClinGen allele CA1670379.

ClinVar aggregate classification (germline): Uncertain significance. Review status: criteria provided, multiple submitters, no conflicts (2 of 4 stars). 3 submissions from 3 submitters: Uncertain significance (3). Last evaluated 2024-05-13.

Conditions:
Fanconi anemia (FA). Also called: Fanconi's anemia. Identifiers: Orphanet 84, MedGen C0015625, MeSH D005199, MONDO:0019391.
Fanconi anemia complementation group L (FANCL). Also called: FANCL-Related Fanconi Anemia. Identifiers: Orphanet 84, MedGen C3469528, MONDO:0013566, OMIM 614083.

Allele frequency attached by ClinVar (database versions not stated): 1000 Genomes Project 0.00080; 1000 Genomes Project 30x 0.00109.
gnomAD v4.1: 18 of 1,607,056 alleles (0.0011%); highest among the groups gnomAD compares: Admixed American, 0.022%; no homozygotes.

Submissions (3):

Labcorp Genetics (formerly Invitae), Labcorp
Classification: Uncertain significance for Fanconi anemia. Last evaluated: 2024-05-13. Review status: criteria provided, single submitter. Criteria: Invitae Variant Classification Sherloc (09022015). Collection method: clinical testing. Allele origin: germline.
Comment: This sequence change replaces methionine, which is neutral and non-polar, with leucine, which is neutral and non-polar, at codon 305 of the FANCL protein (p.Met305Leu). This variant is present in population databases (rs553742734, gnomAD 0.007%). This variant has not been reported in the literature in individuals affected with FANCL-related conditions. ClinVar contains an entry for this variant (Variation ID: 1381209). Advanced modeling of protein sequence and biophysical properties (such as structural, functional, and spatial information, amino acid conservation, physicochemical variation, residue mobility, and thermodynamic stability) performed at Invitae indicates that this missense variant is not expected to disrupt FANCL protein function with a negative predictive value of 80%. In summary, the available evidence is currently insufficient to determine the role of this variant in disease. Therefore, it has been classified as a Variant of Uncertain Significance.

Fulgent Genetics
Classification: Uncertain significance for Fanconi anemia complementation group L. Last evaluated: 2024-05-06. Review status: criteria provided, single submitter. Criteria: ACMG Guidelines, 2015. Collection method: clinical testing. Allele origin: germline.

Breakthrough Genomics
Classification: Uncertain significance. Review status: criteria provided, single submitter. Criteria: ACMG Guidelines, 2015. Collection method: not provided. Allele origin: germline. Inheritance: Autosomal recessive inheritance. Affected: yes.